The following is an entry in ClinVar:

NM_015160.3(PMPCA):c.1205G>C (p.Arg402Pro)

Gene: PMPCA (peptidase, mitochondrial processing subunit alpha; plus strand). Cytogenetic location: 9q34.3.
Variant type: single nucleotide variant.
Coding change: c.1205G>C on transcript NM_015160.3 (MANE Select); coding-DNA position 1205, G replaced by C.
Protein change: p.Arg402Pro; replaces arginine 402 with proline.
Molecular consequence: missense variant.
Genome position (GRCh38, 1-based): chr9:136,419,048, G>C. VCF-style: chr9-136419048-G-C. GRCh37 (hg19) VCF-style: chr9-139313500-G-C.
Other names: c.812G>C, p.Arg271Pro (NM_001282944.2); c.905G>C, p.Arg302Pro (NM_001282946.2); short protein forms R402P, R271P, R302P.
Identifiers: ClinVar variation 1033740 (VCV001033740.1), dbSNP rs769031961, ClinGen allele CA201626483.

ClinVar aggregate classification (germline): Uncertain significance (1 of 4 stars; one submission).

Conditions:
Autosomal recessive spinocerebellar ataxia 2. Also called: CEREBELLAR GRANULAR CELL HYPOPLASIA AND MENTAL RETARDATION, CONGENITAL; CEREBELLAR HYPOPLASIA, NONPROGRESSIVE NORMAN TYPE; CEREBELLOPARENCHYMAL DISORDER III; CPD III. Identifiers: Orphanet 1170, MedGen C1859298, MONDO:0008943, OMIM 213200.

Allele frequency attached by ClinVar (database versions not stated): TOPMed below 0.00001 and 0.00001.
gnomAD v4.1: 1 of 1,613,950 alleles (0.000062%); highest among the groups gnomAD compares: Admixed American, 0.0017%; no homozygotes.

Submission:

Baylor Genetics
Classification: Uncertain significance for Autosomal recessive spinocerebellar ataxia 2. Last evaluated: 2018-04-04. Review status: criteria provided, single submitter. Criteria: ACMG Guidelines, 2015. Collection method: clinical testing. Allele origin: paternal. Affected: yes.
Comment: This variant was determined to be of uncertain significance according to ACMG Guidelines, 2015 [PMID:25741868].